The following is an entry in ClinVar:

ClinVar aggregate classification (germline): Conflicting classifications of pathogenicity. Review status: criteria provided, conflicting classifications (1 of 4 stars). 6 submissions from 6 submitters: Likely pathogenic (1); Uncertain significance (4). 1 of the submissions does not count toward it. Last evaluated 2026-08-28.

Conditions:
Familial dysautonomia. Also called: FD; HSAN III. Identifiers: Orphanet 1764, MedGen C0013364, MONDO:0009131, OMIM 223900. Disease mechanism: loss of function.
Medulloblastoma (MDB). Also called: MEDULLOBLASTOMA PREDISPOSITION SYNDROME; Medulloblastoma, somatic. Identifiers: Orphanet 616, MedGen C0025149, MeSH D008527, MONDO:0007959, OMIM 155255, HP:0002885.

Allele frequency attached by ClinVar (database versions not stated): TOPMed 0.00004.
gnomAD v4.1: 122 of 1,590,412 alleles (0.0077%); highest among the groups gnomAD compares: Non-Finnish European, 0.0083%; no homozygotes.

Submissions (6):

GeneDx
Classification: Likely pathogenic. Last evaluated: 2026-08-28. Review status: criteria provided, single submitter. Criteria: GeneDx Variant Classification Process June 2021. Collection method: clinical testing. Allele origin: germline.
Comment: Intronic variant directly or indirectly altering the +5 splice site in a gene for which loss of function is a known mechanism of disease, and splice predictors support a deleterious effect; Not observed at significant frequency in large population cohorts (gnomAD); Has not been previously published as pathogenic or benign to our knowledge

Labcorp Genetics (formerly Invitae), Labcorp
Classification: Uncertain significance. Last evaluated: 2025-01-20. Review status: criteria provided, single submitter. Criteria: Invitae Variant Classification Sherloc (09022015). Collection method: clinical testing. Allele origin: germline.
Comment: This sequence change falls in intron 33 of the ELP1 gene. It does not directly change the encoded amino acid sequence of the ELP1 protein. It affects a nucleotide within the consensus splice site. This variant is present in population databases (rs773132143, gnomAD 0.008%). This variant has not been reported in the literature in individuals affected with ELP1-related conditions. ClinVar contains an entry for this variant (Variation ID: 929245). Variants that disrupt the consensus splice site are a relatively common cause of aberrant splicing (PMID: 17576681, 9536098). Algorithms developed to predict the effect of sequence changes on RNA splicing suggest that this variant may disrupt the consensus splice site. In summary, the available evidence is currently insufficient to determine the role of this variant in disease. Therefore, it has been classified as a Variant of Uncertain Significance.

Fulgent Genetics
Classification: Uncertain significance for Medulloblastoma; Familial dysautonomia. Last evaluated: 2024-02-16. Review status: criteria provided, single submitter. Criteria: ACMG Guidelines, 2015. Collection method: clinical testing. Allele origin: germline.

Ambry Genetics
Classification: Uncertain significance. Last evaluated: 2021-12-30. Review status: criteria provided, single submitter. Criteria: Ambry Variant Classification Scheme 2023. Collection method: clinical testing. Allele origin: germline.
Comment: The c.3572+5G>A intronic variant results from a G to A substitution 5 nucleotides after coding exon 32 in the IKBKAP gene. This nucleotide position is highly conserved in available vertebrate species. In silico splice site analysis predicts that this alteration will weaken the native splice donor site. Since supporting evidence is limited at this time, the clinical significance of this alteration remains unclear.

Women's Health and Genetics/Laboratory Corporation of America, LabCorp
Classification: Uncertain significance. Last evaluated: 2019-08-12. Review status: criteria provided, single submitter. Criteria: LabCorp Variant Classification Summary - May 2015. Collection method: clinical testing. Allele origin: germline.
Comment: Variant summary: IKBKAP c.3572+5G>A alters a conserved nucleotide located close to a canonical splice site and therefore could affect mRNA splicing, leading to a significantly altered protein sequence. Several computational tools predict a significant impact on normal splicing: five predict the variant abolishes a 5' splicing donor site. However, these predictions have yet to be confirmed by functional studies. The variant allele was found at a frequency of 4.8e-05 in 251420 control chromosomes (gnomAD). This frequency is not higher than expected maximum for a pathogenic variant in IKBKAP causing Familial Dysautonomia (4.8e-05 vs 0.0018), allowing no conclusion about variant significance. To our knowledge, no occurrence of c.3572+5G>A in individuals affected with Familial Dysautonomia and no experimental evidence demonstrating its impact on protein function have been reported. No clinical diagnostic laboratories have submitted clinical-significance assessments for this variant to ClinVar after 2014. Based on the evidence outlined above, the variant was classified as uncertain significance.

Natera, Inc.
Classification: Uncertain significance for Familial dysautonomia. Last evaluated: 2020-05-06. Review status: no assertion criteria provided. Collection method: clinical testing. Allele origin: germline. Not counted in ClinVar's aggregate classification.

Literature cited by the submitters: PubMed 17576681 (cited by Labcorp Genetics (formerly Invitae), Labcorp); PubMed 9536098 (cited by Labcorp Genetics (formerly Invitae), Labcorp).

NM_003640.5(ELP1):c.3572+5G>A

Gene: ELP1 (elongator acetyltransferase complex subunit 1; minus strand). Cytogenetic location: 9q31.3.
Variant type: single nucleotide variant.
Coding change: c.3572+5G>A on transcript NM_003640.5 (MANE Select); 5 bases into the intron after coding-DNA position 3572, G replaced by A.
Molecular consequence: intron variant.
Genome position (GRCh38, 1-based): chr9:108,879,441, C>T on the plus strand (G>A on the coding strand, the complement: ELP1 is on the minus strand). VCF-style: chr9-108879441-C-T. GRCh37 (hg19) VCF-style: chr9-111641721-C-T.
Other names: c.3230+5G>A (NM_001318360.2); c.2525+5G>A (NM_001330749.2).
Identifiers: ClinVar variation 929245 (VCV000929245.11), dbSNP rs773132143, ClinGen allele CA5174262.